The following is an entry in ClinVar:

ClinVar aggregate classification (germline): Conflicting classifications of pathogenicity. Review status: criteria provided, conflicting classifications (1 of 4 stars). 13 submissions from 12 submitters: Uncertain significance (11); Likely benign (1). 1 of the submissions does not count toward it. Last evaluated 2025-11-23.

Conditions:
BRCA2-related cancer predisposition. Identifiers: MedGen CN377758, MONDO:0700269.
Hereditary cancer-predisposing syndrome. Also called: Tumor predisposition; Hereditary Cancer Syndrome; Neoplastic Syndromes, Hereditary; Hereditary neoplastic syndrome. Identifiers: Orphanet 140162, MedGen C0027672, MeSH D009386, MONDO:0015356.
Hereditary breast ovarian cancer syndrome. Also called: Breast and ovarian cancer; Hereditary breast and/or ovarian cancer syndrome; Hereditary breast and ovarian cancer syndrome (HBOC); BRCA1- and BRCA2-Associated Hereditary Breast and Ovarian Cancer; Hereditary breast and ovarian cancer; Hereditary breast and ovarian cancer syndrome. Identifiers: Orphanet 145, MedGen C0677776, MeSH D061325, MONDO:0003582. Disease mechanism: loss of function.
Breast-ovarian cancer, familial, susceptibility to, 2 (BROVCA2). Also called: BRCA2 Hereditary Breast and Ovarian Cancer. Identifiers: Orphanet 145, MedGen C2675520, MONDO:0012933, OMIM 612555. Disease mechanism: loss of function.
Fanconi anemia complementation group D1. Also called: BRCA2-Related Fanconi Anemia. Identifiers: Orphanet 319462, MedGen C1838457, MONDO:0011584, OMIM 605724.
Familial cancer of breast. Also called: hereditary breast carcinoma; BREAST CANCER, FAMILIAL; Hereditary breast cancer. Identifiers: Orphanet 227535, MedGen C0346153, MONDO:0016419, OMIM 114480. Disease mechanism: loss of function.

Allele frequency attached by ClinVar (database versions not stated): ExAC 0.00001; TOPMed 0.00001.
gnomAD v4.1: 27 of 1,613,906 alleles (0.0017%); highest among the groups gnomAD compares: East Asian, 0.0022%; no homozygotes.

Submissions (13):

Labcorp Genetics (formerly Invitae), Labcorp
Classification: Uncertain significance for Hereditary breast ovarian cancer syndrome. Last evaluated: 2025-11-23. Review status: criteria provided, single submitter. Criteria: Invitae Variant Classification Sherloc (09022015). Collection method: clinical testing. Allele origin: germline.
Comment: This sequence change replaces glutamine, which is neutral and polar, with arginine, which is basic and polar, at codon 2945 of the BRCA2 protein (p.Gln2945Arg). This variant is present in population databases (rs587781800, gnomAD 0.004%). This variant has not been reported in the literature in individuals affected with BRCA2-related conditions. ClinVar contains an entry for this variant (Variation ID: 141506). Invitae Evidence Modeling of protein sequence and biophysical properties (such as structural, functional, and spatial information, amino acid conservation, physicochemical variation, residue mobility, and thermodynamic stability) indicates that this missense variant is not expected to disrupt BRCA2 protein function with a negative predictive value of 95%. In summary, the available evidence is currently insufficient to determine the role of this variant in disease. Therefore, it has been classified as a Variant of Uncertain Significance.

Ambry Genetics
Classification: Likely benign for Hereditary cancer-predisposing syndrome. Last evaluated: 2025-05-15. Review status: criteria provided, single submitter. Criteria: Ambry Variant Classification Scheme 2023. Collection method: clinical testing. Allele origin: germline.

Women's Health and Genetics/Laboratory Corporation of America, LabCorp
Classification: Uncertain significance. Last evaluated: 2024-12-20. Review status: criteria provided, single submitter. Criteria: LabCorp Variant Classification Summary - May 2015. Collection method: clinical testing. Allele origin: germline.
Comment: Variant summary: BRCA2 c.8834A>G (p.Gln2945Arg) results in a conservative amino acid change located in the OB2 domain (Yang_2002) of the encoded protein sequence. Four of five in-silico tools predict a benign effect of the variant on protein function. The variant allele was found at a frequency of 1.6e-05 in 250798 control chromosomes (gnomAD). The available data on variant occurrences in the general population are insufficient to allow any conclusion about variant significance. To our knowledge, no occurrence of c.8834A>G in individuals affected with Hereditary Breast and Ovarian Cancer and no experimental evidence demonstrating its impact on protein function have been reported. Co-occurrences with other pathogenic variants have been reported (BRCA1 c.4183C>T (p.Gln1395X) from UMD database, an unspecified BRCA1 variant from a clinical diagnostic laboratory), providing supporting evidence for a benign role. The following publication has been ascertained in the context of this evaluation (PMID: 12228710). ClinVar contains an entry for this variant (Variation ID: 141506). Based on the evidence outlined above, the variant was classified as VUS-possibly benign.

Quest Diagnostics Nichols Institute San Juan Capistrano
Classification: Uncertain significance. Last evaluated: 2024-09-16. Review status: criteria provided, single submitter. Criteria: Quest Diagnostics criteria. Collection method: clinical testing. Allele origin: unknown.
Comment: The BRCA2 c.8834A>G (p.Gln2945Arg) variant has not been reported in individuals with BRCA2-related conditions in the published literature. The frequency of this variant in the general population, 0.000035 (4/113334 chromosomes (Genome Aggregation Database)), is uninformative in the assessment of its pathogenicity. Analysis of this variant using bioinformatics tools for the prediction of the effect of amino acid changes on protein structure and function yielded predictions that this variant is benign. Based on the available information, we are unable to determine the clinical significance of this variant.

All of Us Research Program, National Institutes of Health
Classification: Uncertain significance for BRCA2-related cancer predisposition. Last evaluated: 2024-05-30. Review status: criteria provided, single submitter. Criteria: ACMG Guidelines, 2015. Collection method: clinical testing. Allele origin: germline. Inheritance: Autosomal dominant inheritance. Observed: 3 variant alleles, 3 heterozygotes.
Comment: This missense variant replaces glutamine with arginine at codon 2945 of the BRCA2 protein. Computational prediction suggests that this variant may not impact protein structure and function (internally defined REVEL score threshold <= 0.5, PMID: 27666373). To our knowledge, functional studies have not been reported for this variant. This variant has been reported in a multifactorial analysis with co-occurrence and family history likelihood ratios for pathogenicity of 1.0498 and 1.8339, respectively (PMID: 31131967). This variant has been identified in 4/250798 chromosomes in the general population by the Genome Aggregation Database (gnomAD). The available evidence is insufficient to determine the role of this variant in disease conclusively. Therefore, this variant is classified as a Variant of Uncertain Significance.

This study involves interpretation of variants in research participants for the purpose of population health screening. Participant phenotype was not available at the time of variant classification. Additional details can be found in publication PMID: 35346344, PMCID: PMC8962531

Color Diagnostics, LLC DBA Color Health
Classification: Uncertain significance for Hereditary cancer-predisposing syndrome. Last evaluated: 2024-05-14. Review status: criteria provided, single submitter. Criteria: ACMG Guidelines, 2015. Collection method: clinical testing. Allele origin: germline.
Comment: This missense variant replaces glutamine with arginine at codon 2945 of the BRCA2 protein. Computational prediction suggests that this variant may not impact protein structure and function (internally defined REVEL score threshold <= 0.5, PMID: 27666373). To our knowledge, functional studies have not been reported for this variant. This variant has been reported in a multifactorial analysis with co-occurrence and family history likelihood ratios for pathogenicity of 1.0498 and 1.8339, respectively (PMID: 31131967). This variant has been identified in 4/250798 chromosomes in the general population by the Genome Aggregation Database (gnomAD). The available evidence is insufficient to determine the role of this variant in disease conclusively. Therefore, this variant is classified as a Variant of Uncertain Significance.

Baylor Genetics
Classification: Uncertain significance for Familial cancer of breast. Last evaluated: 2023-12-01. Review status: criteria provided, single submitter. Criteria: ACMG Guidelines, 2015. Collection method: clinical testing. Allele origin: unknown.

Revvity Omics, Revvity
Classification: Uncertain significance. Last evaluated: 2023-07-25. Review status: criteria provided, single submitter. Criteria: ACMG Guidelines, 2015. Collection method: clinical testing. Allele origin: germline.

Blueprint Genetics
Classification: Uncertain significance. Last evaluated: 2020-04-21. Review status: criteria provided, single submitter. Criteria: ACMG Guidelines, 2015. Collection method: clinical testing. Allele origin: germline.

Illumina Laboratory Services, Illumina
Classification: Uncertain significance for Breast-ovarian cancer, familial, susceptibility to, 2. Last evaluated: 2018-01-12. Review status: criteria provided, single submitter. Criteria: ICSL Variant Classification Criteria 13 December 2019. Collection method: clinical testing. Allele origin: germline.

Illumina Laboratory Services, Illumina
Classification: Uncertain significance for Fanconi anemia complementation group D1. Last evaluated: 2018-01-12. Review status: criteria provided, single submitter. Criteria: ICSL Variant Classification Criteria 13 December 2019. Collection method: clinical testing. Allele origin: germline.

GeneDx
Classification: Uncertain significance. Last evaluated: 2017-02-28. Review status: criteria provided, single submitter. Criteria: GeneDx Variant Classification (06012015). Collection method: clinical testing. Allele origin: germline. Affected: yes.
Comment: This variant is denoted BRCA2 c.8834A>G at the cDNA level, p.Gln2945Arg (Q2945R) at the protein level, and results in the change of a Glutamine to an Arginine (CAG>CGG). Using alternate nomenclature, this variant would be defined as BRCA2 9062A>G. This variant has not, to our knowledge, been published in the literature as pathogenic or benign. BRCA2 Gln2945Arg was not observed in approximately 6,500 individuals of European and African American ancestry in the NHLBI Exome Sequencing Project, suggesting it is not a common benign variant in these populations. Since Glutamine and Arginine differ in some properties, this is considered a semi-conservative amino acid substitution. BRCA2 Gln2945Arg occurs at a position that is not conserved and is located in the DNA binding domain (Yang 2002). In silico analyses are inconsistent regarding the effect this variant may have on protein structure and function. Based on currently available evidence, it is unclear whether BRCA2 Gln2945Arg is a pathogenic or benign variant. We consider it to be a variant of uncertain significance.

Counsyl
Classification: Uncertain significance for Breast-ovarian cancer, familial, susceptibility to, 2. Last evaluated: 2016-05-12. Review status: no assertion criteria provided. Collection method: clinical testing. Allele origin: unknown. Not counted in ClinVar's aggregate classification.

Literature cited by the submitters: PubMed 12228710 (cited by Women's Health and Genetics/Laboratory Corporation of America, LabCorp); PubMed 31131967 (cited by 3 submitters); PubMed 25348012 (cited by Quest Diagnostics Nichols Institute San Juan Capistrano).

NM_000059.4(BRCA2):c.8834A>G (p.Gln2945Arg)

Gene: BRCA2 (BRCA2 DNA repair associated; plus strand). Cytogenetic location: 13q13.1.
Variant type: single nucleotide variant.
Coding change: c.8834A>G on transcript NM_000059.4 (MANE Select); coding-DNA position 8834, A replaced by G.
Protein change: p.Gln2945Arg; replaces glutamine 2945 with arginine.
Molecular consequence: missense variant.
Genome position (GRCh38, 1-based): chr13:32,379,396, A>G. VCF-style: chr13-32379396-A-G. GRCh37 (hg19) VCF-style: chr13-32953533-A-G.
Other names: short protein forms Q2945R.
Identifiers: ClinVar variation 141506 (VCV000141506.35), dbSNP rs587781800, ClinGen allele CA025844.